The following is an entry in ClinVar:

NM_001046.3(SLC12A2):c.3533T>A (p.Val1178Glu)

Gene: SLC12A2 (solute carrier family 12 member 2; plus strand). Cytogenetic location: 5q23.3.
Variant type: single nucleotide variant.
Coding change: c.3533T>A on transcript NM_001046.3 (MANE Select); coding-DNA position 3533, T replaced by A.
Protein change: p.Val1178Glu; replaces valine 1178 with glutamic acid.
Molecular consequence: missense variant. On other transcripts: non-coding transcript variant (1).
Genome position (GRCh38, 1-based): chr5:128,186,525, T>A. VCF-style: chr5-128186525-T-A. GRCh37 (hg19) VCF-style: chr5-127522217-T-A.
Other names: c.3485T>A, p.Val1162Glu (NM_001256461.2); short protein forms V1162E, V1178E.
Identifiers: ClinVar variation 3066125 (VCV003066125.1), dbSNP rs2479503687, ClinGen allele CA360742821.
Genomic context (GRCh38, chr5:128,186,525, plus strand): 5'-TTTTTTTTTCTTTTTCTCTTTTTGATACCAGGAGTCTCCCAGTTGCACGAAAAGGTGCTG[T>A]GTCTAGTGCTCTCTACATGGCATGGTTAGAAGCTCTATCTAAGGACCTACCACCAATCCT-3'
Protein context (NP_001037.1, residues 1168-1188): MSLPVARKGA[Val1178Glu]SSALYMAWLE

ClinVar aggregate classification (germline): Uncertain significance (1 of 4 stars; one submission).

Conditions:
Delpire-McNeill syndrome. Also called: SLC12A2-related autosomal dominant infantile-developmental delay-intellectual disability-sensorineural deafness syndrome. Identifiers: Orphanet 633024, MedGen C5436771, MONDO:0033667, OMIM 619083.

Submission:

MVZ Medizinische Genetik Mainz
Classification: Uncertain significance for Delpire-McNeill syndrome. Last evaluated: 2023-02-02. Review status: criteria provided, single submitter. Criteria: UK Practice Guidelines For Variant Classification V4 01 2020. Collection method: clinical testing. Allele origin: germline. Inheritance: Autosomal dominant inheritance. Affected: yes. Observed: 1 variant allele.
Comment: ACMG Criteria: PM2_SUP,PP3